The following is an entry in ClinVar:

NM_001042472.3(ABHD12):c.258del (p.Pro87fs)

Gene: ABHD12 (abhydrolase domain containing 12, lysophospholipase; minus strand). Cytogenetic location: 20p11.21.
Variant type: Deletion.
Coding change: c.258del on transcript NM_001042472.3 (MANE Select); coding-DNA position 258, one base deleted (T; older notation c.258delT).
Protein change: p.Pro87fs; shifts the reading frame from proline 87.
Molecular consequence: frameshift variant.
Genome position (GRCh38, 1-based): chr20:25,339,285, A deleted on the plus strand (T on the coding strand, the reverse complement: ABHD12 is on the minus strand); the first of 2 consecutive A bases (chr20:25,339,285-25,339,286); deleting either gives the same sequence. VCF-style (leftmost placement, unchanged base first): chr20-25339284-GA-G. GRCh37 (hg19) VCF-style: chr20-25319920-GA-G.
Other names: c.258del, p.Pro87fs (NM_015600.5); short protein forms P87fs.
Identifiers: ClinVar variation 817503 (VCV000817503.1), dbSNP rs1600823029, ClinGen allele CA915953113.

ClinVar aggregate classification (germline): Pathogenic (1 of 4 stars; one submission).

Submission:

GeneDx
Classification: Pathogenic. Last evaluated: 2019-03-20. Review status: criteria provided, single submitter. Criteria: GeneDx Variant Classification (06012015). Collection method: clinical testing. Allele origin: germline. Affected: yes.
Comment: The c.258delT variant in the ABHD12 gene has not been reported previously as a pathogenic variant nor as a benign variant, to our knowledge. The c.258delT variant causes a frameshift starting with codon Proline 87, changes this amino acid to a Histidine residue, and creates a premature Stop codon at position 14 of the new reading frame, denoted p.Pro87HisfsX14. This variant is predicted to cause loss of normal protein function either through protein truncation or nonsense-mediated mRNA decay. The c.258delT variant is not observed in large population cohorts (Lek et al., 2016). We interpret c.258delT as a pathogenic variant.